The following is an entry in ClinVar:

ClinVar aggregate classification (germline): Conflicting classifications of pathogenicity. Review status: criteria provided, conflicting classifications (1 of 4 stars). 5 submissions from 5 submitters: Uncertain significance (4); Benign (1). Last evaluated 2025-10-29.

Conditions:
Inborn genetic diseases. Identifiers: MedGen C0950123, MeSH D030342.
Bethlem myopathy 1A. Also called: Bethlem myopathy 1; MYOPATHY, BENIGN CONGENITAL, WITH CONTRACTURES; Bethlem Muscular Dystrophy. Identifiers: Orphanet 610, MedGen CN029274, MONDO:0024530, OMIM 158810.

Allele frequency attached by ClinVar (database versions not stated): gnomAD exomes 0.00002 and 0.00004; ExAC 0.00004; gnomAD 0.00012; TOPMed 0.00021; ESP Exome Variant Server 0.00023.
gnomAD v4.1: 43 of 1,614,122 alleles (0.0027%); highest among the groups gnomAD compares: African/African-American, 0.044%; no homozygotes.

Submissions (5):

Labcorp Genetics (formerly Invitae), Labcorp
Classification: Benign for Bethlem myopathy 1A. Last evaluated: 2025-10-29. Review status: criteria provided, single submitter. Criteria: Invitae Variant Classification Sherloc (09022015). Collection method: clinical testing. Allele origin: germline.

Revvity Omics, Revvity
Classification: Uncertain significance. Last evaluated: 2025-04-23. Review status: criteria provided, single submitter. Criteria: ACMG Guidelines, 2015. Collection method: clinical testing. Allele origin: germline.

Ambry Genetics
Classification: Uncertain significance for Inborn genetic diseases. Last evaluated: 2025-01-28. Review status: criteria provided, single submitter. Criteria: Ambry Variant Classification Scheme 2023. Collection method: clinical testing. Allele origin: germline.

GeneDx
Classification: Uncertain significance. Last evaluated: 2024-08-24. Review status: criteria provided, single submitter. Criteria: GeneDx Variant Classification Process June 2021. Collection method: clinical testing. Allele origin: germline. Affected: yes.
Comment: In silico analysis indicates that this missense variant does not alter protein structure/function; Has not been previously published as pathogenic or benign to our knowledge; This variant is associated with the following publications: (PMID: 30564623)

Eurofins Ntd Llc (ga)
Classification: Uncertain significance. Last evaluated: 2015-07-17. Review status: criteria provided, single submitter. Criteria: EGL Classification Definitions 2015. Collection method: clinical testing. Allele origin: germline. Observed: 1 variant allele, 1 heterozygote.

NM_004369.4(COL6A3):c.1961A>G (p.Asn654Ser)

Gene: COL6A3 (collagen type VI alpha 3 chain; minus strand). Cytogenetic location: 2q37.3.
Variant type: single nucleotide variant.
Coding change: c.1961A>G on transcript NM_004369.4 (MANE Select); coding-DNA position 1961, A replaced by G.
Protein change: p.Asn654Ser; replaces asparagine 654 with serine.
Molecular consequence: missense variant. On other transcripts: intron variant (1).
Genome position (GRCh38, 1-based): chr2:237,379,172, T>C on the plus strand (A>G on the coding strand, the complement: COL6A3 is on the minus strand). VCF-style: chr2-237379172-T-C. GRCh37 (hg19) VCF-style: chr2-238287815-T-C.
Other names: c.740A>G, p.Asn247Ser (NM_057164.5); c.1343A>G, p.Asn448Ser (NM_057165.5, NM_057167.4); c.676+1743A>G (NM_057166.5); short protein forms N654S, N247S, N448S.
Identifiers: ClinVar variation 282106 (VCV000282106.19), dbSNP rs144501019, ClinGen allele CA2189505.